The following is an entry in ClinVar:

NM_000548.5(TSC2):c.5221del (p.Ile1741fs)

Gene: TSC2 (TSC complex subunit 2; plus strand). Cytogenetic location: 16p13.3.
Variant type: Deletion.
Coding change: c.5221del on transcript NM_000548.5 (MANE Select); coding-DNA position 5221, one base deleted (A; older notation c.5221delA).
Protein change: p.Ile1741fs; shifts the reading frame from isoleucine 1741.
Molecular consequence: frameshift variant. On other transcripts: non-coding transcript variant (5).
Genome position (GRCh38, 1-based): chr16:2,088,287, A deleted. VCF-style (leftmost placement, unchanged base first): chr16-2088286-GA-G. GRCh37 (hg19) VCF-style: chr16-2138287-GA-G.
Other names: c.5002del, p.Ile1668fs (NM_001406676.1); c.4963del, p.Ile1655fs (NM_001406677.1); c.4909del, p.Ile1637fs (NM_001406678.1); c.4873del, p.Ile1625fs (NM_001406679.1); c.4621del, p.Ile1541fs (NM_001406680.1); c.4561del, p.Ile1521fs (NM_001406681.1); c.4552del, p.Ile1518fs (NM_001406682.1, NM_001406683.1); c.4549del, p.Ile1517fs (NM_001406684.1); and 27 more; short protein forms I1270fs, I1517fs, I1541fs, I1625fs, I1637fs, I1669fs, I1685fs, I1698fs.
Identifiers: ClinVar variation 4727907 (VCV004727907.1).
Genomic context (GRCh38, chr16:2,088,286, plus strand): 5'-GATGGCCTCACAGGTGCATCATAGCCGCTCCAACCCCACCGATATCTACCCCTCCAAGTG[GA>G]TTGCCCGGCTCCGCCACATCAAGCGGCTCCGCCAGCGGGTAGGGAATATGGGGCTCCCTC-3'

ClinVar aggregate classification (germline): Pathogenic (1 of 4 stars; one submission).

Conditions:
Tuberous sclerosis 2 (TSC2). Identifiers: Orphanet 805, MedGen C1860707, MONDO:0013199, OMIM 613254.

Submission:

Labcorp Genetics (formerly Invitae), Labcorp
Classification: Pathogenic for Tuberous sclerosis 2. Last evaluated: 2025-09-27. Review status: criteria provided, single submitter. Criteria: Invitae Variant Classification Sherloc (09022015). Collection method: clinical testing. Allele origin: germline.
Comment: This sequence change is expected to alter the c-terminus of the TSC2 protein (p.Ile1741Leufs*85). While this is not anticipated to result in nonsense mediated decay, it is expected to disrupt the last 67 amino acid(s) of the TSC2 protein and extend the protein by 17 additional amino acid residues. This variant is not present in population databases (gnomAD no frequency). This variant has not been reported in the literature in individuals affected with TSC2-related conditions. This variant disrupts a region of the TSC2 protein in which other variant(s) (p.Arg1743Gln) have been determined to be pathogenic (PMID: 10732801, 16114042, 18854862, 20165957, 21309039). This suggests that this is a clinically significant region of the protein, and that variants that disrupt it are likely to be disease-causing. For these reasons, this variant has been classified as Pathogenic.

Literature cited by the submitters: PubMed 10732801; PubMed 16114042; PubMed 18854862; PubMed 20165957; PubMed 21309039.